The following is an entry in ClinVar:

NM_002227.4(JAK1):c.416A>G (p.Glu139Gly)

Gene: JAK1 (Janus kinase 1; minus strand). Cytogenetic location: 1p31.3.
Variant type: single nucleotide variant.
Coding change: c.416A>G on transcript NM_002227.4 (MANE Select); coding-DNA position 416, A replaced by G.
Protein change: p.Glu139Gly; replaces glutamic acid 139 with glycine.
Molecular consequence: missense variant.
Genome position (GRCh38, 1-based): chr1:64,873,437, T>C on the plus strand (A>G on the coding strand, the complement: JAK1 is on the minus strand). VCF-style: chr1-64873437-T-C. GRCh37 (hg19) VCF-style: chr1-65339120-T-C.
Other names: c.416A>G, p.Glu139Gly (NM_001320923.2, NM_001321852.2, NM_001321853.2 and 4 more transcripts); short protein forms E139G.
Identifiers: ClinVar variation 3666280 (VCV003666280.2).

ClinVar aggregate classification (germline): Uncertain significance (1 of 4 stars; one submission).

Submission:

Labcorp Genetics (formerly Invitae), Labcorp
Classification: Uncertain significance. Last evaluated: 2025-01-07. Review status: criteria provided, single submitter. Criteria: Invitae Variant Classification Sherloc (09022015). Collection method: clinical testing. Allele origin: germline.
Comment: This sequence change replaces glutamic acid, which is acidic and polar, with glycine, which is neutral and non-polar, at codon 139 of the JAK1 protein (p.Glu139Gly). This variant is not present in population databases (gnomAD no frequency). This variant has not been reported in the literature in individuals affected with JAK1-related conditions. Invitae Evidence Modeling of protein sequence and biophysical properties (such as structural, functional, and spatial information, amino acid conservation, physicochemical variation, residue mobility, and thermodynamic stability) indicates that this missense variant is not expected to disrupt JAK1 protein function with a negative predictive value of 80%. In summary, the available evidence is currently insufficient to determine the role of this variant in disease. Therefore, it has been classified as a Variant of Uncertain Significance.